The following is an entry in ClinVar:

ClinVar aggregate classification (germline): Uncertain significance (1 of 4 stars; one submission).

Submission:

Labcorp Genetics (formerly Invitae), Labcorp
Classification: Uncertain significance. Last evaluated: 2024-05-05. Review status: criteria provided, single submitter. Criteria: Invitae Variant Classification Sherloc (09022015). Collection method: clinical testing. Allele origin: germline.
Comment: This sequence change creates a premature translational stop signal (p.Glu75Lysfs*4) in the IL18BP gene. It is expected to result in an absent or disrupted protein product. However, the current clinical and genetic evidence is not sufficient to establish whether loss-of-function variants in IL18BP cause disease. This variant is not present in population databases (gnomAD no frequency). This variant has not been reported in the literature in individuals affected with IL18BP-related conditions. ClinVar contains an entry for this variant (Variation ID: 2124157). Algorithms developed to predict the effect of sequence changes on RNA splicing suggest that this variant may disrupt the consensus splice site. In summary, the available evidence is currently insufficient to determine the role of this variant in disease. Therefore, it has been classified as a Variant of Uncertain Significance.

NM_001039660.2(IL18BP):c.223del (p.Glu75fs)

Gene: IL18BP (interleukin 18 binding protein; plus strand). Cytogenetic location: 11q13.4.
Variant type: Deletion.
Coding change: c.223del on transcript NM_001039660.2 (MANE Select); coding-DNA position 223, one base deleted (G; older notation c.223delG).
Protein change: p.Glu75fs; shifts the reading frame from glutamic acid 75.
Molecular consequence: frameshift variant.
Genome position (GRCh38, 1-based): chr11:72,000,545, G deleted; the last of 2 consecutive G bases (chr11:72,000,544-72,000,545); deleting either gives the same sequence. VCF-style (leftmost placement, unchanged base first): chr11-72000543-TG-T. GRCh37 (hg19) VCF-style: chr11-71711589-TG-T.
Other names: c.223del, p.Glu75fs (NM_001039659.2, NM_001145055.1, NM_001145057.1 and 3 more transcripts); short protein forms E75fs.
Identifiers: ClinVar variation 2124157 (VCV002124157.4), dbSNP rs1296618971, ClinGen allele CA679961905.